The following is an entry in ClinVar:

NM_001369.3(DNAH5):c.2710G>T (p.Glu904Ter)

Genes: DNAH5 (dynein axonemal heavy chain 5; minus strand), DNAH5-AS1 (DNAH5 antisense RNA 1; plus strand). Cytogenetic location: 5p15.2.
Variant type: single nucleotide variant.
Coding change: c.2710G>T on transcript NM_001369.3 (MANE Select); coding-DNA position 2710, G replaced by T.
Protein change: p.Glu904Ter; replaces glutamic acid 904 with a stop codon.
Molecular consequence: nonsense.
Genome position (GRCh38, 1-based): chr5:13,885,997, C>A on the plus strand (G>T on the coding strand, the complement: DNAH5 is on the minus strand). VCF-style: chr5-13885997-C-A. GRCh37 (hg19) VCF-style: chr5-13886106-C-A.
Other names: short protein forms E904*.
Identifiers: ClinVar variation 454760 (VCV000454760.9), dbSNP rs1554090927, ClinGen allele CA359196177.

ClinVar aggregate classification (germline): Pathogenic. Review status: criteria provided, multiple submitters, no conflicts (2 of 4 stars). 3 submissions from 3 submitters: Pathogenic (3). Last evaluated 2025-01-16.

Conditions:
Primary ciliary dyskinesia. Also called: Ciliary dyskinesia. Identifiers: Orphanet 244, MedGen C0008780, MONDO:0016575, HP:0012265.
Primary ciliary dyskinesia 3. Identifiers: Orphanet 244, MedGen C1837618, MONDO:0012085, OMIM 608644.

Allele frequency attached by ClinVar (database versions not stated): gnomAD exomes below 0.00001.
gnomAD v4.1: 1 of 1,613,220 alleles (0.000062%); highest among the groups gnomAD compares: Non-Finnish European, 0.000085%; no homozygotes.

Submissions (3):

First Genomix Gene Laboratory, Genetic Diagnostics Department
Classification: Pathogenic for Primary ciliary dyskinesia 3. Last evaluated: 2025-01-16. Review status: criteria provided, single submitter. Criteria: ACMG Guidelines, 2015. Collection method: clinical testing. Allele origin: germline. Inheritance: Autosomal recessive inheritance. Affected: no. Observed: 1 variant allele.

Myriad Genetics, Inc.
Classification: Pathogenic for Primary ciliary dyskinesia 3. Last evaluated: 2023-10-15. Review status: criteria provided, single submitter. Criteria: Myriad Autosomal Dominant, Autosomal Recessive and X-Linked Classification Criteria (2023). Collection method: clinical testing. Allele origin: unknown.
Comment: NM_001369.2(DNAH5):c.2710G>T(E904*) is expected to be pathogenic in the context of primary ciliary dyskinesia, DNAH5-related. This variant is predicted to lead to an abnormal or absent protein product due to the creation of a premature termination codon in DNAH5, a gene where loss-of-function variants are known to be pathogenic. Please note: this variant was assessed in the context of healthy population screening.

Labcorp Genetics (formerly Invitae), Labcorp
Classification: Pathogenic for Primary ciliary dyskinesia. Last evaluated: 2022-06-20. Review status: criteria provided, single submitter. Criteria: Invitae Variant Classification Sherloc (09022015). Collection method: clinical testing. Allele origin: germline.
Comment: This premature translational stop signal has been observed in individual(s) with primary ciliary dyskinesia (PMID: 31765523, 31772028). For these reasons, this variant has been classified as Pathogenic. Algorithms developed to predict the effect of sequence changes on RNA splicing suggest that this variant may disrupt the consensus splice site. ClinVar contains an entry for this variant (Variation ID: 454760). This variant is not present in population databases (gnomAD no frequency). This sequence change creates a premature translational stop signal (p.Glu904*) in the DNAH5 gene. It is expected to result in an absent or disrupted protein product. Loss-of-function variants in DNAH5 are known to be pathogenic (PMID: 11788826, 16627867).

Literature cited by the submitters: PubMed 31765523 (cited by Labcorp Genetics (formerly Invitae), Labcorp); PubMed 31772028 (cited by Labcorp Genetics (formerly Invitae), Labcorp); PubMed 11788826 (cited by Labcorp Genetics (formerly Invitae), Labcorp); PubMed 16627867 (cited by Labcorp Genetics (formerly Invitae), Labcorp).